The following is an entry in ClinVar:

NM_007294.4(BRCA1):c.98A>C (p.Glu33Ala)

Gene: BRCA1 (BRCA1 DNA repair associated; minus strand). Cytogenetic location: 17q21.31.
Variant type: single nucleotide variant.
Coding change: c.98A>C on transcript NM_007294.4 (MANE Select); coding-DNA position 98, A replaced by C.
Protein change: p.Glu33Ala; replaces glutamic acid 33 with alanine.
Molecular consequence: missense variant. On other transcripts: non-coding transcript variant (1), intron variant (1).
Genome position (GRCh38, 1-based): chr17:43,115,762, T>G on the plus strand (A>C on the coding strand, the complement: BRCA1 is on the minus strand). VCF-style: chr17-43115762-T-G. GRCh37 (hg19) VCF-style: chr17-41267779-T-G.
Other names: c.98A>C, p.Glu33Ala (NM_001407659.1, NM_001407660.1, NM_001407661.1 and 192 more transcripts); c.-160A>C (NM_001407696.1, NM_001407724.1, NM_001407727.1 and 13 more transcripts); c.-44A>C (NM_001407697.1, NM_001407725.1, NM_001407728.1 and 47 more transcripts); c.-40A>C (NM_001407841.1); c.-91A>C (NM_001407853.1, NM_001407879.1, NM_001407882.1 and 52 more transcripts); c.-207A>C (NM_001407889.1, NM_001407900.1, NM_001408492.1); c.-206A>C (NM_001407960.1, NM_001407962.1, NM_001408510.1 and 1 more transcripts); c.-322A>C (NM_001407965.1); and 2 more; short protein forms E33A.
Identifiers: ClinVar variation 234092 (VCV000234092.19), dbSNP rs876660844, ClinGen allele CA10580712.

ClinVar aggregate classification (germline): Conflicting classifications of pathogenicity. Review status: criteria provided, conflicting classifications (1 of 4 stars). 4 submissions from 4 submitters: Uncertain significance (2); Likely benign (2). Last evaluated 2025-08-05.

Conditions:
Hereditary breast ovarian cancer syndrome. Also called: Breast and ovarian cancer; Hereditary breast and ovarian cancer; Hereditary breast and ovarian cancer syndrome; Hereditary breast and/or ovarian cancer syndrome; BRCA1- and BRCA2-Associated Hereditary Breast and Ovarian Cancer; Hereditary breast and ovarian cancer syndrome (HBOC). Identifiers: Orphanet 145, MedGen C0677776, MeSH D061325, MONDO:0003582. Disease mechanism: loss of function.
Breast-ovarian cancer, familial, susceptibility to, 1 (BROVCA1). Also called: BRCA1 Hereditary Breast and Ovarian Cancer; OVARIAN CANCER, SUSCEPTIBILITY TO. Identifiers: Orphanet 145, MedGen C2676676, MONDO:0011450, OMIM 604370. Disease mechanism: loss of function.
Hereditary cancer-predisposing syndrome. Also called: Tumor predisposition; Hereditary Cancer Syndrome; Neoplastic Syndromes, Hereditary; Hereditary neoplastic syndrome. Identifiers: Orphanet 140162, MedGen C0027672, MeSH D009386, MONDO:0015356.

Allele frequency attached by ClinVar (database versions not stated): gnomAD exomes below 0.00001.
gnomAD v4.1: 1 of 1,613,684 alleles (0.000062%); highest among the groups gnomAD compares: Non-Finnish European, 0.000085%; no homozygotes.

Submissions (5):

Ambry Genetics
Classification: Likely benign for Hereditary cancer-predisposing syndrome. Last evaluated: 2025-08-05. Review status: criteria provided, single submitter. Criteria: Ambry Variant Classification Scheme 2023. Collection method: clinical testing. Allele origin: germline.

Lupski Lab, Baylor-Hopkins CMG, Baylor College of Medicine
Classification: Likely benign for Breast-ovarian cancer, familial, susceptibility to, 1. Last evaluated: 2024-04-12. Review status: criteria provided, single submitter. Criteria: Dawood et al. (medRxiv. 2024). Collection method: curation. Allele origin: germline.
Comment: Each variant was annotated with functional scores from MAVE data which was translated into functional evidence codes. All other evidence codes and combining criteria were adhered to as closely as possible based on the ClinGen VCEP (Variant Curation Expert Panel) gene-specific recommendations. See Supplemental Figure 34 of final paper (Supp Fig. 28 in preprint: doi:10.1101/2024.04.11.24305690) for a table to see which lines of evidence we did not have data for. The ClinGen VCEPs are highly regarded as the gold-standard for gene-specific variant curation and are developed after extensive evaluation of the evidence by clinical and scientific experts for the particular gene to classify genomic variants on a spectrum from pathogenic to benign using the 2015 ACMG/AMP Variant Interpretation Guidelines as a backbone (PMID: 25741868). Reclassification of these VUS variants from gnomAD or All of Us focused only on variants originally prescribed as VUS in ClinVar. To ensure reproducibility, transparency, and increased throughput, all the procedures for annotating variants and assigning evidence codes were codified using Python. All code has been made freely available and is linked in the Code Availability section and all reclassified variants with evidence codes used can be found in Tables S18-19 (preprint: doi:10.1101/2024.04.11.24305690). For the MAVE data, the clinical curation and clinical strength assignment as per the ClinGen recommendations in Brnich et al. (2020) (PMID: 31892348) for or against pathogenicity or benignity of each of these MAVE datasets utilized in this study were previously published in Fayer et al. (2021) (PMID: 34793697).In brief, for BRCA1 variants, if a variant was categorized as FUNC (functional), it was assigned BS3 evidence and no PS3 evidence, whereas if it was categorized as LOF (loss of function), the variant was assigned PS3 evidence and no BS3 evidence. Variants categorized as INT (intermediate) were left unannotated. For the BRCA1 combining criteria, greater than or equal to 1 criteria of strong benign evidence was enough to reclassify the VUS as Likely Benign. This variant GRCh38:17:43115762:T>G was assigned evidence codes ['BS3'] and an overall classification of Likely benign

All of Us Research Program, National Institutes of Health
Classification: Uncertain significance for Breast-ovarian cancer, familial, susceptibility to, 1. Last evaluated: 2023-12-18. Review status: criteria provided, single submitter. Criteria: ACMG Guidelines, 2015. Collection method: clinical testing. Allele origin: germline. Inheritance: Autosomal dominant inheritance. Observed: 1 variant allele, 1 heterozygote.
Comment: This missense variant replaces glutamic acid with alanine at codon 33 of the BRCA1 protein. Computational prediction suggests that this variant may have deleterious impact on protein structure and function (internally defined REVEL score threshold >= 0.7, PMID: 27666373). Functional studies have reported that this variant does not impact BRCA1 function in a homology-directed repair, a BARD1 binding, a ubiquitin ligase and a haploid cell proliferation assay (PMID: 25823446, 30209399, 30219179). This variant has been reported in a suspected hereditary breast cancer family (PMID: 15131401). This variant has not been identified in the general population by the Genome Aggregation Database (gnomAD). The available evidence is insufficient to determine the role of this variant in disease conclusively. Therefore, this variant is classified as a Variant of Uncertain Significance.

This study involves interpretation of variants in research participants for the purpose of population health screening. Participant phenotype was not available at the time of variant classification. Additional details can be found in publication PMID: 35346344, PMCID: PMC8962531

Labcorp Genetics (formerly Invitae), Labcorp
Classification: Uncertain significance for Hereditary breast ovarian cancer syndrome. Last evaluated: 2017-01-12. Review status: criteria provided, single submitter. Criteria: Invitae Variant Classification Sherloc (09022015). Collection method: clinical testing. Allele origin: germline.
Comment: This sequence change replaces glutamic acid with alanine at codon 33 of the BRCA1 protein (p.Glu33Ala). The glutamic acid residue is highly conserved and there is a moderate physicochemical difference between glutamic acid and alanine. This variant has been reported in the literature in an individual affected with breast and/or ovarian cancer (PMID: 15131401). ClinVar contains an entry for this variant (Variation ID: 234092). One experimental study performed in yeast cells has shown that this missense change had a detrimental effect on protein function for cell survival in vitro (PMID: 21922593). In summary, this variant is a rare missense change with a deleterious effect on protein function in vitro. While it is absent from the population and reported in affected individuals, the available evidence is currently insufficient to determine its role in disease. Therefore, it has been classified as a Variant of Uncertain Significance. This variant is not present in population databases (ExAC no frequency).

Brotman Baty Institute, University of Washington
No classification provided (evidence only). Condition: Breast-ovarian cancer, familial 1. Review status: no classification provided. Collection method: in vitro. Allele origin: not applicable. Functional consequence: functionally_normal. Not counted in ClinVar's aggregate classification.
ClinVar note: "not provided" was previously submitted as the classification for the variant. However, the classification appeared to be based only on an observation of functional data so it was converted to no classification on 2025-07-30.

Literature cited by the submitters: PubMed 15131401 (cited by 3 submitters); PubMed 21922593 (cited by Ambry Genetics and Labcorp Genetics (formerly Invitae), Labcorp); PubMed 25348012 (cited by Ambry Genetics); PubMed 25823446 (cited by Ambry Genetics and All of Us Research Program, National Institutes of Health); PubMed 30209399 (cited by Ambry Genetics and All of Us Research Program, National Institutes of Health); PubMed 30219179 (cited by Ambry Genetics and All of Us Research Program, National Institutes of Health); PubMed 35659930 (cited by Ambry Genetics); PubMed 39142283 (cited by Lupski Lab, Baylor-Hopkins CMG, Baylor College of Medicine); PubMed 34793697 (cited by Lupski Lab, Baylor-Hopkins CMG, Baylor College of Medicine); DOI 10.1101/2024.04.11.24305690 (cited by Lupski Lab, Baylor-Hopkins CMG, Baylor College of Medicine).